The following is an entry in ClinVar:

ClinVar aggregate classification (germline): Uncertain significance (1 of 4 stars; one submission).

Submission:

Labcorp Genetics (formerly Invitae), Labcorp
Classification: Uncertain significance. Last evaluated: 2021-02-26. Review status: criteria provided, single submitter. Criteria: Invitae Variant Classification Sherloc (09022015). Collection method: clinical testing. Allele origin: germline.
Comment: This variant is not present in population databases (ExAC no frequency). In summary, the available evidence is currently insufficient to determine the role of this variant in disease. Therefore, it has been classified as a Variant of Uncertain Significance. Algorithms developed to predict the effect of missense changes on protein structure and function (SIFT, PolyPhen-2, Align-GVGD) all suggest that this variant is likely to be tolerated, but these predictions have not been confirmed by published functional studies and their clinical significance is uncertain. This variant has not been reported in the literature in individuals with C6-related conditions. This sequence change replaces glycine with aspartic acid at codon 846 of the C6 protein (p.Gly846Asp). The glycine residue is weakly conserved and there is a moderate physicochemical difference between glycine and aspartic acid.

NM_000065.5(C6):c.2537G>A (p.Gly846Asp)

Gene: C6 (complement C6; minus strand). Cytogenetic location: 5p13.1.
Variant type: single nucleotide variant.
Coding change: c.2537G>A on transcript NM_000065.5 (MANE Select); coding-DNA position 2537, G replaced by A.
Protein change: p.Gly846Asp; replaces glycine 846 with aspartic acid.
Molecular consequence: missense variant.
Genome position (GRCh38, 1-based): chr5:41,149,327, C>T on the plus strand (G>A on the coding strand, the complement: C6 is on the minus strand). VCF-style: chr5-41149327-C-T. GRCh37 (hg19) VCF-style: chr5-41149429-C-T.
Other names: c.2537G>A, p.Gly846Asp (NM_001115131.4); short protein forms G846D.
Identifiers: ClinVar variation 1489357 (VCV001489357.8), dbSNP rs2150230064, ClinGen allele CA359593004.